The following is an entry in ClinVar:

NM_001135998.3(NDUFB11):c.196_197dup (p.Leu66fs)

Gene: NDUFB11 (NADH:ubiquinone oxidoreductase subunit B11; minus strand). Cytogenetic location: Xp11.3.
Variant type: Duplication.
Coding change: c.196_197dup on transcript NM_001135998.3 (MANE Select); coding-DNA positions 196 to 197, 2 bases duplicated (TT; older notation c.196_197dupTT).
Protein change: p.Leu66fs; shifts the reading frame from leucine 66.
Molecular consequence: frameshift variant.
Genome position (GRCh38, 1-based): chrX:47,144,483-47,144,484, AA duplicated on the plus strand (TT on the coding strand, the reverse complement: NDUFB11 is on the minus strand). VCF-style (leftmost placement, unchanged base first): chrX-47144482-C-CAA. GRCh37 (hg19) VCF-style: chrX-47003881-C-CAA.
Other names: c.196_197dup, p.Leu66fs (NM_019056.7); c.196_197dupTT (NM_001135998.3); short protein forms L66fs.
Identifiers: ClinVar variation 4688178 (VCV004688178.1).
Genomic context (GRCh38, chrX:47,144,482, plus strand): 5'-CCCCTTCGGGGTTCCGTCCCCACTACCCCCCCCCCCCCCCCCGCCTCTCACCTTCTCATA[C>CAA]AAGTTTTCGTCCTCGGGTTCTGGGTCCTCTTGCCACGGTGTGGTCGGTTCTGGGGGCCGC-3'

ClinVar aggregate classification (germline): Uncertain significance (1 of 4 stars; one submission).

Conditions:
Mitochondrial complex I deficiency. Also called: NADH:Q(1) OXIDOREDUCTASE DEFICIENCY. Identifiers: Orphanet 2609, MedGen C1838979, MeSH C537475, MONDO:0100133.

Submission:

My Variant Coach
Classification: Uncertain significance for Mitochondrial complex I deficiency. Last evaluated: 2026-01-30. Review status: criteria provided, single submitter. Criteria: ACMG Guidelines, 2015. Collection method: research. Allele origin: germline. Inheritance: X-linked inheritance. Affected: yes. Observed: 2 variant alleles.
Comment: This variant is classified as a Variant of Uncertain Significance (VUS). The variant is rare in population databases and occurs in an X-linked nuclear-encoded mitochondrial complex I subunit gene. Computational annotation indicates a frameshifting duplication at the transcript level. At present, there is insufficient functional or disease-specific evidence to establish pathogenicity, and no definitive genotype–phenotype correlation has been reported for this specific variant.